The following is an entry in ClinVar:

NM_003458.4(BSN):c.10577A>T (p.Asp3526Val)

Gene: BSN (bassoon presynaptic cytomatrix protein; plus strand). Cytogenetic location: 3p21.31.
Variant type: single nucleotide variant.
Coding change: c.10577A>T on transcript NM_003458.4 (MANE Select); coding-DNA position 10577, A replaced by T.
Protein change: p.Asp3526Val; replaces aspartic acid 3526 with valine.
Molecular consequence: missense variant.
Genome position (GRCh38, 1-based): chr3:49,662,422, A>T. VCF-style: chr3-49662422-A-T. GRCh37 (hg19) VCF-style: chr3-49699855-A-T.
Other names: short protein forms D3526V.
Identifiers: ClinVar variation 4538871 (VCV004538871.2).

ClinVar aggregate classification (germline): Uncertain significance (1 of 4 stars; one submission).

Submission:

GeneDx
Classification: Uncertain significance. Last evaluated: 2026-02-19. Review status: criteria provided, single submitter. Criteria: GeneDx Variant Classification Process June 2021. Collection method: clinical testing. Allele origin: germline.
Comment: Not observed at significant frequency in large population cohorts (gnomAD); In silico analysis supports that this missense variant has a deleterious effect on protein structure/function; Has not been previously published as pathogenic or benign to our knowledge